The following is an entry in ClinVar:

ClinVar aggregate classification (germline): Uncertain significance (1 of 4 stars; one submission).

Conditions:
Nephronophthisis 9 (NPHP9). Identifiers: Orphanet 655, MedGen C3151188, MONDO:0013444, OMIM 613824.

gnomAD v4.1: 23 of 1,614,216 alleles (0.0014%); highest among the groups gnomAD compares: Non-Finnish European, 0.0019%; no homozygotes.

Submission:

Labcorp Genetics (formerly Invitae), Labcorp
Classification: Uncertain significance for Nephronophthisis 9. Last evaluated: 2025-12-11. Review status: criteria provided, single submitter. Criteria: Invitae Variant Classification Sherloc (09022015). Collection method: clinical testing. Allele origin: germline.
Comment: This sequence change replaces histidine, which is basic and polar, with asparagine, which is neutral and polar, at codon 454 of the NEK8 protein (p.His454Asn). This variant is present in population databases (no rsID available, gnomAD 0.007%). This variant has not been reported in the literature in individuals affected with NEK8-related conditions. An algorithm developed to predict the effect of missense changes on protein structure and function (PolyPhen-2) suggests that this variant is likely to be disruptive. In summary, the available evidence is currently insufficient to determine the role of this variant in disease. Therefore, it has been classified as a Variant of Uncertain Significance.

NM_178170.3(NEK8):c.1360C>A (p.His454Asn)

Gene: NEK8 (NIMA related kinase 8; plus strand). Cytogenetic location: 17q11.2.
Variant type: single nucleotide variant.
Coding change: c.1360C>A on transcript NM_178170.3 (MANE Select); coding-DNA position 1360, C replaced by A.
Protein change: p.His454Asn; replaces histidine 454 with asparagine.
Molecular consequence: missense variant.
Genome position (GRCh38, 1-based): chr17:28,739,144, C>A. VCF-style: chr17-28739144-C-A. GRCh37 (hg19) VCF-style: chr17-27066162-C-A.
Other names: short protein forms H454N.
Identifiers: ClinVar variation 4737488 (VCV004737488.1).